The following is an entry in ClinVar:

NM_020921.4(NIN):c.6013G>A (p.Glu2005Lys)

Gene: NIN (ninein; minus strand). Cytogenetic location: 14q22.1.
Variant type: single nucleotide variant.
Coding change: c.6013G>A on transcript NM_020921.4 (MANE Select); coding-DNA position 6013, G replaced by A.
Protein change: p.Glu2005Lys; replaces glutamic acid 2005 with lysine.
Molecular consequence: missense variant.
Genome position (GRCh38, 1-based): chr14:50,729,588, C>T on the plus strand (G>A on the coding strand, the complement: NIN is on the minus strand). VCF-style: chr14-50729588-C-T. GRCh37 (hg19) VCF-style: chr14-51196306-C-T.
Other names: c.3874G>A, p.Glu1292Lys (NM_016350.5); c.6013G>A, p.Glu2005Lys (NM_182944.3, NM_182946.2); short protein forms E1292K, E2005K.
Identifiers: ClinVar variation 1993894 (VCV001993894.4), dbSNP rs2504917713, ClinGen allele CA389673013.

ClinVar aggregate classification (germline): Uncertain significance (1 of 4 stars; one submission).

Submission:

Labcorp Genetics (formerly Invitae), Labcorp
Classification: Uncertain significance. Last evaluated: 2022-05-13. Review status: criteria provided, single submitter. Criteria: Invitae Variant Classification Sherloc (09022015). Collection method: clinical testing. Allele origin: germline.
Comment: This sequence change replaces glutamic acid, which is acidic and polar, with lysine, which is basic and polar, at codon 2005 of the NIN protein (p.Glu2005Lys). In summary, the available evidence is currently insufficient to determine the role of this variant in disease. Therefore, it has been classified as a Variant of Uncertain Significance. Algorithms developed to predict the effect of missense changes on protein structure and function are either unavailable or do not agree on the potential impact of this missense change (SIFT: "Deleterious"; PolyPhen-2: "Probably Damaging"; Align-GVGD: "Class C15"). This variant has not been reported in the literature in individuals affected with NIN-related conditions. This variant is not present in population databases (gnomAD no frequency).